The following is an entry in ClinVar:

NM_000091.5(COL4A3):c.2498G>A (p.Gly833Asp)

Genes: COL4A3 (collagen type IV alpha 3 chain; plus strand), MFF-DT (MFF divergent transcript; minus strand). Cytogenetic location: 2q36.3.
Variant type: single nucleotide variant.
Coding change: c.2498G>A on transcript NM_000091.5 (MANE Select); coding-DNA position 2498, G replaced by A.
Protein change: p.Gly833Asp; replaces glycine 833 with aspartic acid.
Molecular consequence: missense variant.
Genome position (GRCh38, 1-based): chr2:227,282,374, G>A. VCF-style: chr2-227282374-G-A. GRCh37 (hg19) VCF-style: chr2-228147090-G-A.
Other names: short protein forms G833D.
Identifiers: ClinVar variation 1333494 (VCV001333494.7), dbSNP rs779489401, ClinGen allele CA2146949.

ClinVar aggregate classification (germline): Conflicting classifications of pathogenicity. Review status: criteria provided, conflicting classifications (1 of 4 stars). 5 submissions from 5 submitters: Likely pathogenic (2); Uncertain significance (3). Last evaluated 2024-06-20.

Conditions:
Autosomal dominant Alport syndrome (ATS3A). Also called: Alport syndrome dominant type; Renal failure and sensorineural hearing loss; ALPORT SYNDROME 3A, AUTOSOMAL DOMINANT. Identifiers: Orphanet 63, Orphanet 88918, MedGen C5882663, MONDO:0007086, OMIM 104200.
Hematuria, benign familial, 2 (BFH2). Identifiers: MedGen C5830421, MONDO:0958186, OMIM 620320.
Alport syndrome 3b, autosomal recessive. Identifiers: MedGen C5882699, MONDO:0957811, OMIM 620536.
Benign familial hematuria. Also called: thin basement membrane disease. Identifiers: MedGen C0241908, MONDO:0957317.

Allele frequency attached by ClinVar (database versions not stated): gnomAD exomes below 0.00001; ExAC 0.00001.
gnomAD v4.1: 1 of 1,611,996 alleles (0.000062%); highest among the groups gnomAD compares: East Asian, 0.0022%; no homozygotes.

Submissions (5):

Fulgent Genetics
Classification: Likely pathogenic for Autosomal dominant Alport syndrome; Hematuria, benign familial, 2; Alport syndrome 3b, autosomal recessive. Last evaluated: 2024-06-20. Review status: criteria provided, single submitter. Criteria: ACMG Guidelines, 2015. Collection method: clinical testing. Allele origin: germline.

Women's Health and Genetics/Laboratory Corporation of America, LabCorp
Classification: Uncertain significance. Last evaluated: 2024-06-20. Review status: criteria provided, single submitter. Criteria: LabCorp Variant Classification Summary - May 2015. Collection method: clinical testing. Allele origin: germline.
Comment: Variant summary: COL4A3 c.2498G>A (p.Gly833Asp) results in a non-conservative amino acid change located in the collagen triple helix repeat (IPR008160) of the encoded protein sequence. Five of five in-silico tools predict a damaging effect of the variant on protein function. The variant allele was found at a frequency of 4e-06 in 249446 control chromosomes (gnomAD). The available data on variant occurrences in the general population are insufficient to allow any conclusion about variant significance. To our knowledge, no occurrence of c.2498G>A in individuals affected with Alport Syndrome, Autosomal Recessive and no experimental evidence demonstrating its impact on protein function have been reported. ClinVar contains an entry for this variant (Variation ID: 1333494). Based on the evidence outlined above, the variant was classified as uncertain significance.

Labcorp Genetics (formerly Invitae), Labcorp
Classification: Uncertain significance. Last evaluated: 2024-03-03. Review status: criteria provided, single submitter. Criteria: Invitae Variant Classification Sherloc (09022015). Collection method: clinical testing. Allele origin: germline.
Comment: This sequence change replaces glycine, which is neutral and non-polar, with aspartic acid, which is acidic and polar, at codon 833 of the COL4A3 protein (p.Gly833Asp). This variant is present in population databases (rs779489401, gnomAD 0.006%). This variant has not been reported in the literature in individuals affected with COL4A3-related conditions. ClinVar contains an entry for this variant (Variation ID: 1333494). Advanced modeling of protein sequence and biophysical properties (such as structural, functional, and spatial information, amino acid conservation, physicochemical variation, residue mobility, and thermodynamic stability) performed at Invitae indicates that this missense variant is expected to disrupt COL4A3 protein function with a positive predictive value of 80%. In summary, the available evidence is currently insufficient to determine the role of this variant in disease. Therefore, it has been classified as a Variant of Uncertain Significance.

MGZ Medical Genetics Center
Classification: Likely pathogenic for Hematuria, benign familial, 1. Last evaluated: 2022-03-28. Review status: criteria provided, single submitter. Criteria: ACMG Guidelines, 2015. Collection method: clinical testing. Allele origin: germline. Affected: yes. Observed: 1 variant allele.
Comment: ACMG criteria applied: PM1_STR, PM5, PM2_SUP, PP3

3billion
Classification: Uncertain significance for Hematuria, benign familial, 1. Last evaluated: 2022-01-03. Review status: criteria provided, single submitter. Criteria: ACMG Guidelines, 2015. Collection method: clinical testing. Allele origin: germline. Affected: yes. Observed: 1 heterozygote.
Comment: A different missense change at the same codon has been reported as pathogenic/likely pathogenic with strong evidence (ClinVar ID: VCV000985676, PM5_M). It is observed at an extremely low frequency in the gnomAD v2.1.1 dataset (total allele frequency: 0.000004, PM2_M). In silico tool predictions suggest damaging effect of the variant on gene or gene product (REVEL: 0.854, PP3_P). Therefore, this variant is classified as uncertain significance according to the recommendation of ACMG/AMP guideline.